The following is an entry in ClinVar:

NM_006206.6(PDGFRA):c.878G>A (p.Arg293His)

Gene: PDGFRA (platelet derived growth factor receptor alpha; plus strand). Cytogenetic location: 4q12.
Variant type: single nucleotide variant.
Coding change: c.878G>A on transcript NM_006206.6 (MANE Select); coding-DNA position 878, G replaced by A.
Protein change: p.Arg293His; replaces arginine 293 with histidine.
Molecular consequence: missense variant.
Genome position (GRCh38, 1-based): chr4:54,267,407, G>A. VCF-style: chr4-54267407-G-A. GRCh37 (hg19) VCF-style: chr4-55133574-G-A.
Other names: c.878G>A, p.Arg293His (NM_001347827.2, NM_001347829.2); c.953G>A, p.Arg318His (NM_001347828.2); c.917G>A, p.Arg306His (NM_001347830.2); c.878G>A (NM_006206.5); short protein forms R293H, R306H, R318H.
Identifiers: ClinVar variation 528615 (VCV000528615.22), dbSNP rs373948582, ClinGen allele CA2922411.
Genomic context (GRCh38, chr4:54,267,407, plus strand): 5'-ACACTTTGACGGTCCCCGAGGCCACGGTGAAAGACAGTGGAGATTACGAATGTGCTGCCC[G>A]CCAGGCTACCAGGGAGGTCAAAGAAATGAAGAAAGTCACTATTTCTGTCCATGGTACATT-3'
Protein context (NP_006197.1, residues 283-303): KDSGDYECAA[Arg293His]QATREVKEMK

ClinVar aggregate classification (germline): Conflicting classifications of pathogenicity. Review status: criteria provided, conflicting classifications (1 of 4 stars). 7 submissions from 7 submitters: Uncertain significance (4); Benign (1); Likely benign (1). 1 of the submissions does not count toward it. Last evaluated 2026-06-12.

Conditions:
Gastrointestinal stromal tumor. Also called: Gastrointestinal stroma tumor; Gastrointestinal stromal tumor, somatic. Identifiers: Orphanet 44890, MedGen C0238198, MeSH D046152, MONDO:0011719, OMIM 606764, HP:0100723.
Idiopathic hypereosinophilic syndrome (HES). Identifiers: Orphanet 3260, MedGen C0206141, MONDO:0011895, OMIM 607685. Disease mechanism: gain of function.
PDGFRA-related disorder. Also called: PDGFRA-related condition.
Polyps, multiple and recurrent inflammatory fibroid, gastrointestinal. Identifiers: MedGen C5193005, MONDO:0008285, OMIM 175510.
Hereditary cancer-predisposing syndrome. Also called: Tumor predisposition; Hereditary neoplastic syndrome; Hereditary Cancer Syndrome; Neoplastic Syndromes, Hereditary. Identifiers: Orphanet 140162, MedGen C0027672, MeSH D009386, MONDO:0015356.

Allele frequency attached by ClinVar (database versions not stated): gnomAD exomes 0.00001; TOPMed 0.00003; ESP Exome Variant Server 0.00008.
gnomAD v4.1: 22 of 1,614,162 alleles (0.0014%); highest among the groups gnomAD compares: Middle Eastern, 0.016%; no homozygotes.

Submissions (7):

Myriad Genetics, Inc.
Classification: Likely benign for Polyps, multiple and recurrent inflammatory fibroid, gastrointestinal. Last evaluated: 2026-06-12. Review status: criteria provided, single submitter. Criteria: Myriad Autosomal Dominant, Autosomal Recessive and X-Linked Classification Criteria (2023). Collection method: clinical testing. Allele origin: unknown.
Comment: This variant is considered likely benign. This variant has been observed at a population frequency that is significantly greater than expected given the associated disease prevalence and penetrance.

Labcorp Genetics (formerly Invitae), Labcorp
Classification: Uncertain significance for Gastrointestinal stromal tumor. Last evaluated: 2025-07-22. Review status: criteria provided, single submitter. Criteria: Invitae Variant Classification Sherloc (09022015). Collection method: clinical testing. Allele origin: germline.
Comment: This sequence change replaces arginine, which is basic and polar, with histidine, which is basic and polar, at codon 293 of the PDGFRA protein (p.Arg293His). This variant is present in population databases (rs373948582, gnomAD 0.006%). This variant has not been reported in the literature in individuals affected with PDGFRA-related conditions. ClinVar contains an entry for this variant (Variation ID: 528615). Invitae Evidence Modeling of protein sequence and biophysical properties (such as structural, functional, and spatial information, amino acid conservation, physicochemical variation, residue mobility, and thermodynamic stability) indicates that this missense variant is not expected to disrupt PDGFRA protein function with a negative predictive value of 80%. In summary, the available evidence is currently insufficient to determine the role of this variant in disease. Therefore, it has been classified as a Variant of Uncertain Significance.

Ambry Genetics
Classification: Benign for Hereditary cancer-predisposing syndrome. Last evaluated: 2025-05-29. Review status: criteria provided, single submitter. Criteria: Ambry Variant Classification Scheme 2023. Collection method: clinical testing. Allele origin: germline.

GeneDx
Classification: Uncertain significance. Last evaluated: 2022-11-22. Review status: criteria provided, single submitter. Criteria: GeneDx Variant Classification Process June 2021. Collection method: clinical testing. Allele origin: germline. Affected: yes.
Comment: Not observed at significant frequency in large population cohorts (gnomAD); In silico analysis supports that this missense variant does not alter protein structure/function; Has not been previously published as pathogenic or benign to our knowledge; This variant is associated with the following publications: (PMID: 32194744)

Revvity Omics, Revvity
Classification: Uncertain significance for Idiopathic hypereosinophilic syndrome. Last evaluated: 2021-03-12. Review status: criteria provided, single submitter. Criteria: ACMG Guidelines, 2015. Collection method: clinical testing. Allele origin: germline.

Fulgent Genetics
Classification: Uncertain significance for Gastrointestinal stromal tumor; Idiopathic hypereosinophilic syndrome. Last evaluated: 2018-10-31. Review status: criteria provided, single submitter. Criteria: ACMG Guidelines, 2015. Collection method: clinical testing. Allele origin: unknown.

PreventionGenetics, part of Exact Sciences
Classification: Uncertain significance for PDGFRA-related condition. Last evaluated: 2024-07-29. Review status: no assertion criteria provided. Collection method: clinical testing. Allele origin: germline. Not counted in ClinVar's aggregate classification.
Comment: The PDGFRA c.878G>A variant is predicted to result in the amino acid substitution p.Arg293His. To our knowledge, this variant has not been reported in the literature. This variant is reported in 0.0058% of alleles in individuals of Latino descent in gnomAD. This variant has an interpretation of uncertain significance in ClinVar. At this time, the clinical significance of this variant is uncertain due to the absence of conclusive functional and genetic evidence.